The following is an entry in ClinVar:

NM_001267550.2(TTN):c.104298T>C (p.Ala34766=)

Genes: TTN (titin; minus strand), TTN-AS1 (TTN antisense RNA 1; plus strand). Cytogenetic location: 2q31.2.
Variant type: single nucleotide variant.
Coding change: c.104298T>C on transcript NM_001267550.2 (MANE Select); coding-DNA position 104298, T replaced by C.
Protein change: p.Ala34766=; no amino-acid change (alanine 34766 retained).
Molecular consequence: synonymous variant.
Genome position (GRCh38, 1-based): chr2:178,532,317, A>G on the plus strand (T>C on the coding strand, the complement: TTN is on the minus strand). VCF-style: chr2-178532317-A-G. GRCh37 (hg19) VCF-style: chr2-179397044-A-G.
Other names: c.99375T>C, p.Ala33125= (NM_001256850.1); c.77103T>C, p.Ala25701= (NM_003319.4); c.96594T>C, p.Ala32198= (NM_133378.4); c.77478T>C, p.Ala25826= (NM_133432.3); c.77679T>C, p.Ala25893= (NM_133437.4).
Identifiers: ClinVar variation 497022 (VCV000497022.27), dbSNP rs751788327, ClinGen allele CA1985446.

ClinVar aggregate classification (germline): Conflicting classifications of pathogenicity. Review status: criteria provided, conflicting classifications (1 of 4 stars). 6 submissions from 6 submitters: Uncertain significance (1); Benign (1); Likely benign (4). Last evaluated 2025-12-30.

Conditions:
TTN-related disorder. Also called: TTN-related condition; TTN-related disease; TTN-related disorders.
Dilated cardiomyopathy 1G (CMD1G). Identifiers: Orphanet 154, MedGen C1858763, MONDO:0011400, OMIM 604145.
Autosomal recessive limb-girdle muscular dystrophy type 2J (LGMDR10). Also called: Limb-girdle muscular dystrophy, type 2J; MUSCULAR DYSTROPHY, LIMB-GIRDLE, AUTOSOMAL RECESSIVE 10. Identifiers: Orphanet 140922, MedGen C1837342, MONDO:0012127, OMIM 608807.
Cardiovascular phenotype. Identifiers: MedGen CN230736.

Allele frequency attached by ClinVar (database versions not stated): gnomAD 0.00006 and 0.00007; gnomAD exomes 0.00008 and 0.00020; TOPMed 0.00011; ExAC 0.00017.
gnomAD v4.1: 61 of 1,613,850 alleles (0.0038%); highest among the groups gnomAD compares: Admixed American, 0.097%; no homozygotes.

Submissions (6):

Labcorp Genetics (formerly Invitae), Labcorp
Classification: Benign for Dilated cardiomyopathy 1G; Autosomal recessive limb-girdle muscular dystrophy type 2J. Last evaluated: 2025-12-30. Review status: criteria provided, single submitter. Criteria: Invitae Variant Classification Sherloc (09022015). Collection method: clinical testing. Allele origin: germline.

CeGaT Center for Human Genetics Tuebingen
Classification: Likely benign. Last evaluated: 2025-12-01. Review status: criteria provided, single submitter. Criteria: CeGaT Center For Human Genetics Tuebingen Variant Classification Criteria Version 2. Collection method: clinical testing. Allele origin: germline. Affected: yes. Observed: 1 variant allele.
Comment: TTN: BP4, BP7

PreventionGenetics, part of Exact Sciences
Classification: Likely benign for TTN-related condition. Last evaluated: 2025-07-05. Review status: criteria provided, single submitter. Criteria: ACMG Guidelines, 2015. Collection method: clinical testing. Allele origin: germline.
Comment: This variant is classified as likely benign based on ACMG/AMP sequence variant interpretation guidelines (Richards et al. 2015 PMID: 25741868, with internal and published modifications).

Ambry Genetics
Classification: Likely benign for Cardiovascular phenotype. Last evaluated: 2019-12-19. Review status: criteria provided, single submitter. Criteria: Ambry Variant Classification Scheme 2023. Collection method: clinical testing. Allele origin: germline.

GeneDx
Classification: Likely benign. Last evaluated: 2019-06-04. Review status: criteria provided, single submitter. Criteria: GeneDx Variant Classification Process June 2021. Collection method: clinical testing. Allele origin: germline. Affected: yes.

Eurofins Ntd Llc (ga)
Classification: Uncertain significance. Last evaluated: 2017-01-25. Review status: criteria provided, single submitter. Criteria: EGL Classification Definitions 2015. Collection method: clinical testing. Allele origin: germline. Observed: 3 variant alleles, 3 heterozygotes.